The following is an entry in ClinVar:

NM_002032.3(FTH1):c.304G>C (p.Glu102Gln)

Genes: BEST1 (bestrophin 1; plus strand), FTH1 (ferritin heavy chain 1; minus strand). Cytogenetic location: 11q12.3.
Variant type: single nucleotide variant.
Coding change: c.304G>C on transcript NM_002032.3 (MANE Select); coding-DNA position 304, G replaced by C.
Protein change: p.Glu102Gln; replaces glutamic acid 102 with glutamine.
Molecular consequence: missense variant.
Genome position (GRCh38, 1-based): chr11:61,965,070, C>G on the plus strand (G>C on the coding strand, the complement: FTH1 is on the minus strand). VCF-style: chr11-61965070-C-G. GRCh37 (hg19) VCF-style: chr11-61732542-C-G.
Other names: short protein forms E102Q.
Identifiers: ClinVar variation 3605746 (VCV003605746.2).
Genomic context (GRCh38, chr11:61,965,070, plus strand): 5'-CCAGTTTGTGCAGTTCCAGTAGTGACTGATTCACATTTTTTTCCAAATGTAATGCACACT[C>G]CATTGCATTCAGCCCGCTCTCCCAGTCATCACAGTCTGGTTTCTGAATGAGAATAGGTTA-3'
Protein context (NP_002023.2, residues 92-112): DDWESGLNAM[Glu102Gln]CALHLEKNVN

ClinVar aggregate classification (germline): Uncertain significance (1 of 4 stars; one submission).

gnomAD v4.1: 2 of 1,609,602 alleles (0.00012%); highest among the groups gnomAD compares: East Asian, 0.0045%; no homozygotes.

Submission:

Labcorp Genetics (formerly Invitae), Labcorp
Classification: Uncertain significance. Last evaluated: 2025-01-13. Review status: criteria provided, single submitter. Criteria: Invitae Variant Classification Sherloc (09022015). Collection method: clinical testing. Allele origin: germline.
Comment: This sequence change replaces glutamic acid, which is acidic and polar, with glutamine, which is neutral and polar, at codon 102 of the FTH1 protein (p.Glu102Gln). This variant is present in population databases (no rsID available, gnomAD 0.006%). This variant has not been reported in the literature in individuals affected with FTH1-related conditions. An algorithm developed to predict the effect of missense changes on protein structure and function (PolyPhen-2) suggests that this variant is likely to be tolerated. In summary, the available evidence is currently insufficient to determine the role of this variant in disease. Therefore, it has been classified as a Variant of Uncertain Significance.